The following is an entry in ClinVar:

NM_001379291.1(BRD4):c.358_367del (p.Trp120fs)

Gene: BRD4 (bromodomain containing 4; minus strand). Cytogenetic location: 19p13.12.
Variant type: Deletion.
Coding change: c.358_367del on transcript NM_001379291.1 (MANE Select); coding-DNA positions 358 to 367, 10 bases deleted (TGGAATGCTC; older notation c.358_367delTGGAATGCTC).
Protein change: p.Trp120fs; shifts the reading frame from tryptophan 120.
Molecular consequence: frameshift variant.
Genome position (GRCh38, 1-based): chr19:15,268,961-15,268,970, GAGCATTCCA deleted on the plus strand (TGGAATGCTC on the coding strand, the reverse complement: BRD4 is on the minus strand); deleting any 10 consecutive bases within chr19:15,268,961-15,268,971 gives the same sequence; the c. name uses the placement nearest the transcript's 3' end. VCF-style (leftmost placement, unchanged base first): chr19-15268960-TGAGCATTCCA-T. GRCh37 (hg19) VCF-style: chr19-15379771-TGAGCATTCCA-T.
Other names: c.358_367del, p.Trp120fs (NM_001330384.2, NM_001379292.1, NM_014299.3 and 1 more transcripts); short protein forms W120fs.
Identifiers: ClinVar variation 847436 (VCV000847436.7), dbSNP rs2047560187, ClinGen allele CA916083689.
Genomic context (GRCh38, chr19:15,268,960, plus strand): 5'-CTCACCTTGTTGTAGATGTAACAATTTGTAAACATAGTGTTGAAGTCCTGGATACATTCC[TGAGCATTCCA>T]GTAATAGTTGTTTTCCAAGCGCTTCTTTATTGTTCCCATATCCATAGGCGTTTTAATGAT-3'

ClinVar aggregate classification (germline): Pathogenic (1 of 4 stars; one submission).

Submission:

Labcorp Genetics (formerly Invitae), Labcorp
Classification: Pathogenic. Last evaluated: 2019-12-20. Review status: criteria provided, single submitter. Criteria: Invitae Variant Classification Sherloc (09022015). Collection method: clinical testing. Allele origin: germline.
Comment: This sequence change creates a premature translational stop signal (p.Trp120Argfs*24) in the BRD4 gene. It is expected to result in an absent or disrupted protein product. For these reasons, this variant has been classified as Pathogenic. Loss-of-function variants in BRD4 are known to be pathogenic (PMID: 11997514, 29379197). This variant has not been reported in the literature in individuals with BRD4-related conditions. This variant is not present in population databases (ExAC no frequency).

Literature cited by the submitters: PubMed 11997514; PubMed 29379197.